The following is an entry in ClinVar:

NM_001372044.2(SHANK3):c.799C>T (p.Arg267Cys)

Gene: SHANK3 (SH3 and multiple ankyrin repeat domains 3; plus strand). Cytogenetic location: 22q13.33.
Variant type: single nucleotide variant.
Coding change: c.799C>T on transcript NM_001372044.2 (MANE Select); coding-DNA position 799, C replaced by T.
Protein change: p.Arg267Cys; replaces arginine 267 with cysteine.
Molecular consequence: missense variant.
Genome position (GRCh38, 1-based): chr22:50,678,894, C>T. VCF-style: chr22-50678894-C-T. GRCh37 (hg19) VCF-style: chr22-51117322-C-T.
Other names: c.574C>T, p.Arg192Cys (NM_033517.1); short protein forms R192C, R267C.
Identifiers: ClinVar variation 2429576 (VCV002429576.1), dbSNP rs758738309, ClinGen allele CA325560236.
Genomic context (GRCh38, chr22:50,678,894, plus strand): 5'-GGTGGTGCCCACCTGGACTTCCGCACTCGCGATGGGCTCACTGCCGTGCACTGTGCCACA[C>T]GCCAGCGGAATGCGGCAGCACTGACGGTCAGTGAGGGCGGGGCCTGGCCTGGAGGGGCTC-3'
Protein context (NP_001358973.1, residues 257-277): DGLTAVHCAT[Arg267Cys]QRNAAALTTL

ClinVar aggregate classification (germline): Uncertain significance (1 of 4 stars; one submission).

Allele frequency attached by ClinVar (database versions not stated): gnomAD 0.00001; TOPMed 0.00002.

Submission:

GeneDx
Classification: Uncertain significance. Last evaluated: 2022-08-09. Review status: criteria provided, single submitter. Criteria: GeneDx Variant Classification Process June 2021. Collection method: clinical testing. Allele origin: germline. Affected: yes.
Comment: In silico analysis supports that this missense variant has a deleterious effect on protein structure/function; Has not been previously published as pathogenic or benign to our knowledge; This variant is associated with the following publications: (PMID: 32519210)